The following is an entry in ClinVar:

ClinVar aggregate classification (germline): Uncertain significance. Review status: criteria provided, multiple submitters, no conflicts (2 of 4 stars). 2 submissions from 2 submitters: Uncertain significance (2). Last evaluated 2026-02-25.

Conditions:
PRX-related disorder. Also called: PRX-related condition; PRX-Related Disorders.
Charcot-Marie-Tooth disease type 4. Also called: Charcot-Marie-Tooth disease, type IV; Charcot-Marie-Tooth, Type 4. Identifiers: Orphanet 64749, MedGen C4082197, MONDO:0018995.

Allele frequency attached by ClinVar (database versions not stated): gnomAD exomes 0.00006 and 0.00016; gnomAD 0.00007; ExAC 0.00021.

Submissions (2):

PreventionGenetics, part of Exact Sciences
Classification: Uncertain significance for PRX-related condition. Last evaluated: 2026-02-25. Review status: criteria provided, single submitter. Criteria: ACMG Guidelines, 2015. Collection method: clinical testing. Allele origin: germline.
Comment: The PRX c.4121T>G variant is predicted to result in the amino acid substitution p.Val1374Gly. To our knowledge, this variant has not been reported in the literature. This variant is reported in 0.044% of alleles in individuals of European (Finnish) descent in gnomAD. At this time, the clinical significance of this variant is uncertain due to the absence of conclusive functional and genetic evidence.

Labcorp Genetics (formerly Invitae), Labcorp
Classification: Uncertain significance for Charcot-Marie-Tooth disease type 4. Last evaluated: 2022-06-13. Review status: criteria provided, single submitter. Criteria: Invitae Variant Classification Sherloc (09022015). Collection method: clinical testing. Allele origin: germline.
Comment: This sequence change replaces valine, which is neutral and non-polar, with glycine, which is neutral and non-polar, at codon 1374 of the PRX protein (p.Val1374Gly). This variant is present in population databases (rs773512610, gnomAD 0.04%). This variant has not been reported in the literature in individuals affected with PRX-related conditions. ClinVar contains an entry for this variant (Variation ID: 476970). Algorithms developed to predict the effect of missense changes on protein structure and function output the following: SIFT: "Tolerated"; PolyPhen-2: "Benign"; Align-GVGD: "Class C0". The glycine amino acid residue is found in multiple mammalian species, which suggests that this missense change does not adversely affect protein function. In summary, the available evidence is currently insufficient to determine the role of this variant in disease. Therefore, it has been classified as a Variant of Uncertain Significance.

NM_181882.3(PRX):c.4121T>G (p.Val1374Gly)

Gene: PRX (periaxin; minus strand). Cytogenetic location: 19q13.2.
Variant type: single nucleotide variant.
Coding change: c.4121T>G on transcript NM_181882.3 (MANE Select); coding-DNA position 4121, T replaced by G.
Protein change: p.Val1374Gly; replaces valine 1374 with glycine.
Molecular consequence: missense variant. On other transcripts: 3 prime UTR variant (1).
Genome position (GRCh38, 1-based): chr19:40,394,231, A>C on the plus strand (T>G on the coding strand, the complement: PRX is on the minus strand). VCF-style: chr19-40394231-A-C. GRCh37 (hg19) VCF-style: chr19-40900138-A-C.
Other names: c.*4326T>G (NM_020956.2); short protein forms V1374G.
Identifiers: ClinVar variation 476970 (VCV000476970.5), dbSNP rs773512610, ClinGen allele CA9443690.
Genomic context (GRCh38, chr19:40,394,231, plus strand): 5'-TCCTGCCCCCGAGAGGCTTTAGAAGGGGCCGCCAGGCCTACACGTGGCAAGCGGACCCGG[A>C]CCCGGCCCCGGCGACCCGAGGCCCCTTCCCCACTGCCCTCTTCCTCCTCCTCCTCCTCCT-3'
Protein context (NP_870998.2, residues 1364-1384): GEGASGRRGR[Val1374Gly]RVRLPRVGLA